The following is an entry in ClinVar:

ClinVar aggregate classification (germline): Uncertain significance. Review status: criteria provided, multiple submitters, no conflicts (2 of 4 stars). 4 submissions from 4 submitters: Uncertain significance (4). Last evaluated 2024-12-12.

Conditions:
Autoinflammation-PLCG2-associated antibody deficiency-immune dysregulation. Also called: Autoinflammation, antibody deficiency, and immune dysregulation, plcg2-associated; AUTOINFLAMMATION, ANTIBODY DEFICIENCY, AND IMMUNE DYSREGULATION; Autoinflammation, antibody deficiency, and immune dysregulation syndrome. Identifiers: Orphanet 324530, MedGen C3553961, MONDO:0013944, OMIM 614878.
Familial cold autoinflammatory syndrome 3 (FCAS3). Also called: ANTIBODY DEFICIENCY AND IMMUNE DYSREGULATION, PLCG2-ASSOCIATED; FAMILIAL ATYPICAL COLD URTICARIA. Identifiers: Orphanet 300359, MedGen C3280914, MONDO:0013766, OMIM 614468.

Allele frequency attached by ClinVar (database versions not stated): ExAC 0.00001; gnomAD 0.00001; gnomAD exomes 0.00001.
gnomAD v4.1: 15 of 1,613,626 alleles (0.00093%); highest among the groups gnomAD compares: East Asian, 0.0045%; no homozygotes.

Submissions (4):

Labcorp Genetics (formerly Invitae), Labcorp
Classification: Uncertain significance for Familial cold autoinflammatory syndrome 3. Last evaluated: 2024-12-12. Review status: criteria provided, single submitter. Criteria: Invitae Variant Classification Sherloc (09022015). Collection method: clinical testing. Allele origin: germline.
Comment: This sequence change replaces arginine, which is basic and polar, with histidine, which is basic and polar, at codon 1033 of the PLCG2 protein (p.Arg1033His). This variant is present in population databases (rs760293225, gnomAD 0.01%). This variant has not been reported in the literature in individuals affected with PLCG2-related conditions. ClinVar contains an entry for this variant (Variation ID: 1058544). An algorithm developed to predict the effect of missense changes on protein structure and function (PolyPhen-2) suggests that this variant is likely to be tolerated. In summary, the available evidence is currently insufficient to determine the role of this variant in disease. Therefore, it has been classified as a Variant of Uncertain Significance.

Fulgent Genetics
Classification: Uncertain significance for Familial cold autoinflammatory syndrome 3; Autoinflammation-PLCG2-associated antibody deficiency-immune dysregulation. Last evaluated: 2022-04-06. Review status: criteria provided, single submitter. Criteria: ACMG Guidelines, 2015. Collection method: clinical testing. Allele origin: unknown.

Baylor Genetics
Classification: Uncertain significance for Autoinflammation-PLCG2-associated antibody deficiency-immune dysregulation. Last evaluated: 2022-02-01. Review status: criteria provided, single submitter. Criteria: ACMG Guidelines, 2015. Collection method: clinical testing. Allele origin: unknown.

Blueprint Genetics
Classification: Uncertain significance. Last evaluated: 2020-11-19. Review status: criteria provided, single submitter. Criteria: ACMG Guidelines, 2015. Collection method: clinical testing. Allele origin: germline.

NM_002661.5(PLCG2):c.3098G>A (p.Arg1033His)

Gene: PLCG2 (phospholipase C gamma 2; plus strand). Cytogenetic location: 16q23.3.
Variant type: single nucleotide variant.
Coding change: c.3098G>A on transcript NM_002661.5 (MANE Select); coding-DNA position 3098, G replaced by A.
Protein change: p.Arg1033His; replaces arginine 1033 with histidine.
Molecular consequence: missense variant.
Genome position (GRCh38, 1-based): chr16:81,937,803, G>A. VCF-style: chr16-81937803-G-A. GRCh37 (hg19) VCF-style: chr16-81971408-G-A.
Other names: short protein forms R1033H.
Identifiers: ClinVar variation 1058544 (VCV001058544.11), dbSNP rs760293225, ClinGen allele CA8194563.